The following is an entry in ClinVar:

NM_153240.5(NPHP3):c.3517C>T (p.His1173Tyr)

Genes: NPHP3 (nephrocystin 3; minus strand), NPHP3-ACAD11 (NPHP3-ACAD11 readthrough (NMD candidate); minus strand). Cytogenetic location: 3q22.1.
Variant type: single nucleotide variant.
Coding change: c.3517C>T on transcript NM_153240.5 (MANE Select); coding-DNA position 3517, C replaced by T.
Protein change: p.His1173Tyr; replaces histidine 1173 with tyrosine.
Molecular consequence: missense variant. On other transcripts: non-coding transcript variant (1).
Genome position (GRCh38, 1-based): chr3:132,684,607, G>A on the plus strand (C>T on the coding strand, the complement: NPHP3 is on the minus strand). VCF-style: chr3-132684607-G-A. GRCh37 (hg19) VCF-style: chr3-132403451-G-A.
Other names: short protein forms H1173Y.
Identifiers: ClinVar variation 1509361 (VCV001509361.8), dbSNP rs2107963292, ClinGen allele CA354578833.

ClinVar aggregate classification (germline): Uncertain significance (1 of 4 stars; one submission).

Conditions:
Nephronophthisis. Also called: Juvenile Nephronophthisis. Identifiers: Orphanet 655, MedGen C0687120, MONDO:0019005, HP:0000090.

Submission:

Labcorp Genetics (formerly Invitae), Labcorp
Classification: Uncertain significance for Nephronophthisis. Last evaluated: 2021-02-12. Review status: criteria provided, single submitter. Criteria: Invitae Variant Classification Sherloc (09022015). Collection method: clinical testing. Allele origin: germline.
Comment: This sequence change replaces histidine with tyrosine at codon 1173 of the NPHP3 protein (p.His1173Tyr). The histidine residue is highly conserved and there is a moderate physicochemical difference between histidine and tyrosine. In summary, the available evidence is currently insufficient to determine the role of this variant in disease. Therefore, it has been classified as a Variant of Uncertain Significance. Algorithms developed to predict the effect of missense changes on protein structure and function are either unavailable or do not agree on the potential impact of this missense change (SIFT: "Deleterious"; PolyPhen-2: "Probably Damaging"; Align-GVGD: "Class C0"). This variant has not been reported in the literature in individuals with NPHP3-related conditions. This variant is not present in population databases (ExAC no frequency).